The following is an entry in ClinVar:

NM_133259.4(LRPPRC):c.650+1G>C

Gene: LRPPRC (leucine rich pentatricopeptide repeat containing; minus strand). Cytogenetic location: 2p21.
Variant type: single nucleotide variant.
Coding change: c.650+1G>C on transcript NM_133259.4 (MANE Select); the canonical splice donor site of the intron after coding-DNA position 650, G replaced by C.
Molecular consequence: splice donor variant.
Genome position (GRCh38, 1-based): chr2:43,976,993, C>G on the plus strand (G>C on the coding strand, the complement: LRPPRC is on the minus strand). VCF-style: chr2-43976993-C-G. GRCh37 (hg19) VCF-style: chr2-44204132-C-G.
Identifiers: ClinVar variation 551305 (VCV000551305.18), dbSNP rs1249427615, ClinGen allele CA346675470.

ClinVar aggregate classification (germline): Likely pathogenic. Review status: criteria provided, multiple submitters, no conflicts (2 of 4 stars). 5 submissions from 5 submitters: Likely pathogenic (4). 1 of the submissions does not count toward it. Last evaluated 2025-03-28.

Conditions:
Congenital lactic acidosis, Saguenay-Lac-Saint-Jean type (MC4DN5). Also called: MITOCHONDRIAL COMPLEX IV DEFICIENCY, NUCLEAR TYPE 5; CYTOCHROME c OXIDASE DEFICIENCY, FRENCH CANADIAN TYPE; COX DEFICIENCY, FRENCH CANADIAN TYPE. Identifiers: Orphanet 70472, MedGen C1857355, MONDO:0009069, OMIM 220111.

Allele frequency attached by ClinVar (database versions not stated): gnomAD exomes below 0.00001 and 0.00003; gnomAD 0.00001; TOPMed 0.00001.

Submissions (5):

Natera, Inc.
Classification: Likely pathogenic for French-Canadian type Leigh syndrome. Last evaluated: 2025-03-28. Review status: criteria provided, single submitter. Criteria: Natera Variant Classification Schema (03/2026). Collection method: clinical testing. Allele origin: germline.
Comment: The c.650+1G>C variant in LRPPRC is a canonical splice donor site variant predicted to affect pre-mRNA splicing, which may result in an abnormal transcript and altered protein product. This variant is expected to result in nonsense mediated decay, truncation, or a dysfunctional protein product. This variant is rare in the general population with a frequency below the threshold expected for the associated phenotype(s). Given the available evidence, this variant is classified as Likely Pathogenic.

Labcorp Genetics (formerly Invitae), Labcorp
Classification: Likely pathogenic. Last evaluated: 2024-03-02. Review status: criteria provided, single submitter. Criteria: Invitae Variant Classification Sherloc (09022015). Collection method: clinical testing. Allele origin: germline.
Comment: This sequence change affects a donor splice site in intron 5 of the LRPPRC gene. It is expected to disrupt RNA splicing. Variants that disrupt the donor or acceptor splice site typically lead to a loss of protein function (PMID: 16199547), and loss-of-function variants in LRPPRC are known to be pathogenic (PMID: 26510951). This variant is present in population databases (no rsID available, gnomAD 0.002%). This variant has not been reported in the literature in individuals affected with LRPPRC-related conditions. ClinVar contains an entry for this variant (Variation ID: 551305). Algorithms developed to predict the effect of sequence changes on RNA splicing suggest that this variant may disrupt the consensus splice site. In summary, the currently available evidence indicates that the variant is pathogenic, but additional data are needed to prove that conclusively. Therefore, this variant has been classified as Likely Pathogenic.

Fulgent Genetics
Classification: Likely pathogenic for Congenital lactic acidosis, Saguenay-Lac-Saint-Jean type. Last evaluated: 2021-10-01. Review status: criteria provided, single submitter. Criteria: ACMG Guidelines, 2015. Collection method: clinical testing. Allele origin: unknown.

GeneDx
Classification: Likely pathogenic. Last evaluated: 2020-07-29. Review status: criteria provided, single submitter. Criteria: GeneDx Variant Classification Process June 2021. Collection method: clinical testing. Allele origin: germline. Affected: yes.
Comment: Canonical splice site variant predicted to result in a null allele in a gene for which loss-of-function is a known mechanism of disease; Not observed at a significant frequency in large population cohorts (Lek et al., 2016); Has not been previously published as pathogenic or benign to our knowledge

Counsyl
Classification: Likely pathogenic for Congenital lactic acidosis, Saguenay-Lac-Saint-Jean type. Last evaluated: 2017-03-30. Review status: no assertion criteria provided. Collection method: clinical testing. Allele origin: unknown. Not counted in ClinVar's aggregate classification.

Literature cited by the submitters: PubMed 16199547 (cited by Labcorp Genetics (formerly Invitae), Labcorp); PubMed 26510951 (cited by Labcorp Genetics (formerly Invitae), Labcorp).